The following is an entry in ClinVar:

ClinVar aggregate classification (germline): Uncertain significance (1 of 4 stars; one submission).

Conditions:
Nance-Horan syndrome (NHS). Identifiers: Orphanet 627, MedGen C0796085, MONDO:0010545, OMIM 302350.

Submission:

Labcorp Genetics (formerly Invitae), Labcorp
Classification: Uncertain significance for Nance-Horan syndrome. Last evaluated: 2023-10-05. Review status: criteria provided, single submitter. Criteria: Invitae Variant Classification Sherloc (09022015). Collection method: clinical testing. Allele origin: germline.
Comment: This variant results in a copy number gain of the genomic region encompassing exon(s) 1-3 of the NHS gene. This region includes the initiator codon of the gene. This copy number gain extends beyond the assayed region for this gene and therefore may encompass additional genes. As the precise location of this event is unknown, it may be in tandem or it may be located elsewhere in the genome. Isolated whole-gene copy number gains of NHS have not been reported in the literature. However, larger copy number events that include this gene have been reported (PMID: 29611406). In summary, the available evidence is currently insufficient to determine the role of this variant in disease. Therefore, it has been classified as a Variant of Uncertain Significance.

Literature cited by the submitters: PubMed 29611406.

NC_000023.10:g.(?_17393881)_(17710608_?)dup

Gene: NHS (NHS actin remodeling regulator; plus strand). Cytogenetic location: Xp22.13.
Variant type: Duplication.
Identifiers: ClinVar variation 2427647 (VCV002427647.4).